The following is an entry in ClinVar:

NM_015512.5(DNAH1):c.8113C>T (p.Arg2705Cys)

Gene: DNAH1 (dynein axonemal heavy chain 1; plus strand). Cytogenetic location: 3p21.1.
Variant type: single nucleotide variant.
Coding change: c.8113C>T on transcript NM_015512.5 (MANE Select); coding-DNA position 8113, C replaced by T.
Protein change: p.Arg2705Cys; replaces arginine 2705 with cysteine.
Molecular consequence: missense variant.
Genome position (GRCh38, 1-based): chr3:52,383,557, C>T. VCF-style: chr3-52383557-C-T. GRCh37 (hg19) VCF-style: chr3-52417573-C-T.
Other names: short protein forms R2705C.
Identifiers: ClinVar variation 544602 (VCV000544602.5), dbSNP rs767190386, ClinGen allele CA2435086.

ClinVar aggregate classification (germline): Uncertain significance (1 of 4 stars; one submission).

Conditions:
Spermatogenic failure 18. Identifiers: MedGen C4539783, MONDO:0054615, OMIM 617576.
Ciliary dyskinesia, primary, 37 (CILD37). Also called: CILIARY DYSKINESIA, PRIMARY, 37, WITH OR WITHOUT SITUS INVERSUS. Identifiers: MedGen C4539798, MONDO:0033204, OMIM 617577.

Allele frequency attached by ClinVar (database versions not stated): gnomAD 0.00001; gnomAD exomes 0.00001; ExAC 0.00003.
gnomAD v4.1: 16 of 1,608,150 alleles (0.00099%); highest among the groups gnomAD compares: South Asian, 0.0044%; no homozygotes.

Submission:

Labcorp Genetics (formerly Invitae), Labcorp
Classification: Uncertain significance for Ciliary dyskinesia, primary, 37; Spermatogenic failure 18. Last evaluated: 2017-09-03. Review status: criteria provided, single submitter. Criteria: Invitae Variant Classification Sherloc (09022015). Collection method: clinical testing. Allele origin: germline.
Comment: This sequence change replaces arginine with cysteine at codon 2705 of the DNAH1 protein (p.Arg2705Cys). The arginine residue is moderately conserved and there is a large physicochemical difference between arginine and cysteine. The frequency data for this variant in the population databases is considered unreliable, as metrics indicate poor data quality at this position in the ExAC database. This variant has not been reported in the literature in individuals with DNAH1-related disease. Algorithms developed to predict the effect of missense changes on protein structure and function do not agree on the potential impact of this missense change (SIFT: "Deleterious"; PolyPhen-2: "Benign"; Align-GVGD: "Class C0"). Algorithms developed to predict the effect of sequence changes on RNA splicing suggest that this variant may create or strengthen a splice site, but this prediction has not been confirmed by published transcriptional studies. In summary, the available evidence is currently insufficient to determine the role of this variant in disease. Therefore, it has been classified as a Variant of Uncertain Significance.